The following is an entry in ClinVar:

ClinVar aggregate classification (germline): Uncertain significance. Review status: criteria provided, multiple submitters, no conflicts (2 of 4 stars). 3 submissions from 3 submitters: Uncertain significance (3). Last evaluated 2025-04-11.

Conditions:
Congenital myasthenic syndrome 8. Also called: MYASTHENIC SYNDROME, CONGENITAL, DUE TO AGRIN DEFICIENCY; Myasthenic syndrome, congenital, 8, with pre- and postsynaptic defects. Identifiers: Orphanet 590, MedGen C3808739, MONDO:0014052, OMIM 615120.
Inborn genetic diseases. Identifiers: MedGen C0950123, MeSH D030342.

Allele frequency attached by ClinVar (database versions not stated): gnomAD exomes 0.00002 and 0.00010; gnomAD 0.00007; TOPMed 0.00008; ExAC below 0.00001.
gnomAD v4.1: 150 of 1,549,410 alleles (0.0097%); highest among the groups gnomAD compares: Non-Finnish European, 0.012%; no homozygotes.

Submissions (3):

Ambry Genetics
Classification: Uncertain significance for Inborn genetic diseases. Last evaluated: 2025-04-11. Review status: criteria provided, single submitter. Criteria: Ambry Variant Classification Scheme 2023. Collection method: clinical testing. Allele origin: germline.

Labcorp Genetics (formerly Invitae), Labcorp
Classification: Uncertain significance for Congenital myasthenic syndrome 8. Last evaluated: 2021-09-14. Review status: criteria provided, single submitter. Criteria: Invitae Variant Classification Sherloc (09022015). Collection method: clinical testing. Allele origin: germline.
Comment: This sequence change replaces arginine with cysteine at codon 1380 of the AGRN protein (p.Arg1380Cys). The arginine residue is weakly conserved and there is a large physicochemical difference between arginine and cysteine. The frequency data for this variant in the population databases is considered unreliable, as metrics indicate poor data quality at this position in the ExAC database. This variant has not been reported in the literature in individuals affected with AGRN-related conditions. Algorithms developed to predict the effect of missense changes on protein structure and function are either unavailable or do not agree on the potential impact of this missense change (SIFT: "Deleterious"; PolyPhen-2: "Possibly Damaging"; Align-GVGD: "Class C0"). In summary, the available evidence is currently insufficient to determine the role of this variant in disease. Therefore, it has been classified as a Variant of Uncertain Significance.

Athena Diagnostics
Classification: Uncertain significance. Last evaluated: 2021-05-19. Review status: criteria provided, single submitter. Criteria: Athena Diagnostics criteria. Collection method: clinical testing. Allele origin: unknown.

NM_198576.4(AGRN):c.4138C>T (p.Arg1380Cys)

Gene: AGRN (agrin; plus strand). Cytogenetic location: 1p36.33.
Variant type: single nucleotide variant.
Coding change: c.4138C>T on transcript NM_198576.4 (MANE Select); coding-DNA position 4138, C replaced by T.
Protein change: p.Arg1380Cys; replaces arginine 1380 with cysteine.
Molecular consequence: missense variant.
Genome position (GRCh38, 1-based): chr1:1,048,899, C>T. VCF-style: chr1-1048899-C-T. GRCh37 (hg19) VCF-style: chr1-984279-C-T.
Other names: c.4138C>T, p.Arg1380Cys (NM_001305275.2); c.3823C>T, p.Arg1275Cys (NM_001364727.2); short protein forms R1380C, R1275C.
Identifiers: ClinVar variation 844468 (VCV000844468.8), dbSNP rs747790893, ClinGen allele CA509334.